The following is an entry in ClinVar:

NM_005751.5(AKAP9):c.2528T>C (p.Ile843Thr)

Gene: AKAP9 (A-kinase anchoring protein 9; plus strand). Cytogenetic location: 7q21.2.
Variant type: single nucleotide variant.
Coding change: c.2528T>C on transcript NM_005751.5 (MANE Select); coding-DNA position 2528, T replaced by C.
Protein change: p.Ile843Thr; replaces isoleucine 843 with threonine.
Molecular consequence: missense variant.
Genome position (GRCh38, 1-based): chr7:92,002,445, T>C. VCF-style: chr7-92002445-T-C. GRCh37 (hg19) VCF-style: chr7-91631759-T-C.
Other names: c.2528T>C, p.Ile843Thr (NM_147185.3); short protein forms I843T.
Identifiers: ClinVar variation 2703537 (VCV002703537.3), dbSNP rs2484693968, ClinGen allele CA368124327.

ClinVar aggregate classification (germline): Uncertain significance (1 of 4 stars; one submission).

Conditions:
Long QT syndrome (LQTS). Identifiers: MedGen C0023976, MeSH D008133, MONDO:0002442. Disease mechanism: loss of function. Inheritance: Various modes of inheritance.

Allele frequency attached by ClinVar (database versions not stated): gnomAD exomes below 0.00001.
gnomAD v4.1: 1 of 1,608,926 alleles (0.000062%); highest among the groups gnomAD compares: South Asian, 0.0011%; no homozygotes.

Submission:

Labcorp Genetics (formerly Invitae), Labcorp
Classification: Uncertain significance for Long QT syndrome. Last evaluated: 2024-06-17. Review status: criteria provided, single submitter. Criteria: Invitae Variant Classification Sherloc (09022015). Collection method: clinical testing. Allele origin: germline.
Comment: This sequence change replaces isoleucine, which is neutral and non-polar, with threonine, which is neutral and polar, at codon 843 of the AKAP9 protein (p.Ile843Thr). This variant is not present in population databases (gnomAD no frequency). This variant has not been reported in the literature in individuals affected with AKAP9-related conditions. An algorithm developed to predict the effect of missense changes on protein structure and function (PolyPhen-2) suggests that this variant is likely to be disruptive. In summary, the available evidence is currently insufficient to determine the role of this variant in disease. Therefore, it has been classified as a Variant of Uncertain Significance.